The following is an entry in ClinVar:

NM_153689.6(C2orf69):c.1095A>G (p.Gln365=)

Gene: C2orf69 (chromosome 2 open reading frame 69; plus strand). Cytogenetic location: 2q33.1.
Variant type: single nucleotide variant.
Coding change: c.1095A>G on transcript NM_153689.6 (MANE Select); coding-DNA position 1095, A replaced by G.
Protein change: p.Gln365=; no amino-acid change (glutamine 365 retained).
Molecular consequence: synonymous variant.
Genome position (GRCh38, 1-based): chr2:199,925,823, A>G. VCF-style: chr2-199925823-A-G. GRCh37 (hg19) VCF-style: chr2-200790546-A-G.
Identifiers: ClinVar variation 4681601 (VCV004681601.5).

ClinVar aggregate classification (germline): Likely benign (1 of 4 stars; one submission).

gnomAD v4.1: 67 of 1,613,732 alleles (0.0042%); highest among the groups gnomAD compares: Admixed American, 0.11%; no homozygotes.

Submission:

CeGaT Center for Human Genetics Tuebingen
Classification: Likely benign. Last evaluated: 2025-12-01. Review status: criteria provided, single submitter. Criteria: CeGaT Center For Human Genetics Tuebingen Variant Classification Criteria Version 2. Collection method: clinical testing. Allele origin: germline. Affected: yes. Observed: 1 variant allele.
Comment: C2orf69: BP4, BP7